The following is an entry in ClinVar:

NM_207361.6(FREM2):c.1162C>A (p.Leu388Met)

Gene: FREM2 (FRAS1 related extracellular matrix 2; plus strand). Cytogenetic location: 13q13.3.
Variant type: single nucleotide variant.
Coding change: c.1162C>A on transcript NM_207361.6 (MANE Select); coding-DNA position 1162, C replaced by A.
Protein change: p.Leu388Met; replaces leucine 388 with methionine.
Molecular consequence: missense variant.
Genome position (GRCh38, 1-based): chr13:38,688,506, C>A. VCF-style: chr13-38688506-C-A. GRCh37 (hg19) VCF-style: chr13-39262643-C-A.
Other names: short protein forms L388M.
Identifiers: ClinVar variation 2767270 (VCV002767270.3), dbSNP rs2541351564, ClinGen allele CA387885110.

ClinVar aggregate classification (germline): Uncertain significance (1 of 4 stars; one submission).

Submission:

Labcorp Genetics (formerly Invitae), Labcorp
Classification: Uncertain significance. Last evaluated: 2025-12-08. Review status: criteria provided, single submitter. Criteria: Invitae Variant Classification Sherloc (09022015). Collection method: clinical testing. Allele origin: germline.
Comment: This sequence change replaces leucine, which is neutral and non-polar, with methionine, which is neutral and non-polar, at codon 388 of the FREM2 protein (p.Leu388Met). This variant is not present in population databases (gnomAD no frequency). This variant has not been reported in the literature in individuals affected with FREM2-related conditions. ClinVar contains an entry for this variant (Variation ID: 2767270). Invitae Evidence Modeling of protein sequence and biophysical properties (such as structural, functional, and spatial information, amino acid conservation, physicochemical variation, residue mobility, and thermodynamic stability) indicates that this missense variant is not expected to disrupt FREM2 protein function with a negative predictive value of 80%. In summary, the available evidence is currently insufficient to determine the role of this variant in disease. Therefore, it has been classified as a Variant of Uncertain Significance.